The following is an entry in ClinVar:

ClinVar aggregate classification (germline): Pathogenic. Review status: criteria provided, multiple submitters, no conflicts (2 of 4 stars). 2 submissions from 2 submitters: Pathogenic (2). Last evaluated 2020-11-06.

Conditions:
Hereditary cancer-predisposing syndrome. Also called: Neoplastic Syndromes, Hereditary; Hereditary Cancer Syndrome; Tumor predisposition; Hereditary neoplastic syndrome. Identifiers: Orphanet 140162, MedGen C0027672, MeSH D009386, MONDO:0015356.

Submissions (2):

Ambry Genetics
Classification: Pathogenic for Hereditary cancer-predisposing syndrome. Last evaluated: 2020-11-06. Review status: criteria provided, single submitter. Criteria: Ambry Variant Classification Scheme 2023. Collection method: clinical testing. Allele origin: germline.
Comment: The p.L686* pathogenic mutation (also known as c.2057T>G), located in coding exon 14 of the MSH3 gene, results from a T to G substitution at nucleotide position 2057. This changes the amino acid from a leucine to a stop codon within coding exon 14. This alteration is expected to result in loss of function by premature protein truncation or nonsense-mediated mRNA decay. As such, this alteration is interpreted as a disease-causing mutation.

Labcorp Genetics (formerly Invitae), Labcorp
Classification: Pathogenic. Last evaluated: 2019-11-20. Review status: criteria provided, single submitter. Criteria: Invitae Variant Classification Sherloc (09022015). Collection method: clinical testing. Allele origin: germline.
Comment: For these reasons, this variant has been classified as Pathogenic. Loss-of-function variants in MSH3 are known to be pathogenic (PMID: 27476653). This variant has not been reported in the literature in individuals with MSH3-related conditions. This variant is not present in population databases (ExAC no frequency). This sequence change creates a premature translational stop signal (p.Leu686*) in the MSH3 gene. It is expected to result in an absent or disrupted protein product.

Literature cited by the submitters: PubMed 27476653 (cited by Labcorp Genetics (formerly Invitae), Labcorp).

NM_002439.5(MSH3):c.2057T>G (p.Leu686Ter)

Gene: MSH3 (mutS homolog 3; plus strand). Cytogenetic location: 5q14.1.
Variant type: single nucleotide variant.
Coding change: c.2057T>G on transcript NM_002439.5 (MANE Select); coding-DNA position 2057, T replaced by G.
Protein change: p.Leu686Ter; replaces leucine 686 with a stop codon.
Molecular consequence: nonsense.
Genome position (GRCh38, 1-based): chr5:80,768,093, T>G. VCF-style: chr5-80768093-T-G. GRCh37 (hg19) VCF-style: chr5-80063912-T-G.
Other names: short protein forms L686*.
Identifiers: ClinVar variation 852002 (VCV000852002.10), dbSNP rs1744154635, ClinGen allele CA360277913.